The following is an entry in ClinVar:

NM_001145026.2(PTPRQ):c.3941G>A (p.Arg1314His)

Gene: PTPRQ (protein tyrosine phosphatase receptor type Q; plus strand). Cytogenetic location: 12q21.31.
Variant type: single nucleotide variant.
Coding change: c.3941G>A on transcript NM_001145026.2 (MANE Select); coding-DNA position 3941, G replaced by A.
Protein change: p.Arg1314His; replaces arginine 1314 with histidine.
Molecular consequence: missense variant.
Genome position (GRCh38, 1-based): chr12:80,546,623, G>A. VCF-style: chr12-80546623-G-A. GRCh37 (hg19) VCF-style: chr12-80940402-G-A.
Other names: short protein forms R1314H.
Identifiers: ClinVar variation 3893430 (VCV003893430.1).

ClinVar aggregate classification (germline): Uncertain significance (1 of 4 stars; one submission).

gnomAD v4.1: 94 of 1,551,286 alleles (0.0061%); highest among the groups gnomAD compares: South Asian, 0.011%; 1 homozygote.

Submission:

GeneDx
Classification: Uncertain significance. Last evaluated: 2024-10-24. Review status: criteria provided, single submitter. Criteria: GeneDx Variant Classification Process June 2021. Collection method: clinical testing. Allele origin: germline. Affected: yes.
Comment: In silico analysis supports that this missense variant has a deleterious effect on protein structure/function; Has not been previously published as pathogenic or benign to our knowledge